The following is an entry in ClinVar:

NM_020549.5(CHAT):c.45del (p.Lys16fs)

Gene: CHAT (choline O-acetyltransferase; plus strand). Cytogenetic location: 10q11.23.
Variant type: Deletion.
Coding change: c.45del on transcript NM_020549.5 (MANE Select); coding-DNA position 45, one base deleted (G; older notation c.45delG).
Protein change: p.Lys16fs; shifts the reading frame from lysine 16.
Molecular consequence: frameshift variant. On other transcripts: 5 prime UTR variant (3), intron variant (3).
Genome position (GRCh38, 1-based): chr10:49,614,234, G deleted; the last of 6 consecutive G bases (chr10:49,614,229-49,614,234); deleting any one gives the same sequence. VCF-style (leftmost placement, unchanged base first): chr10-49614228-AG-A. GRCh37 (hg19) VCF-style: chr10-50822274-AG-A.
Other names: c.-310del (NM_001142929.2); c.-272del (NM_001142933.2); c.-380del (NM_001142934.2); c.-68-2268del (NM_020984.4); c.-240-70del (NM_020985.4); c.-69+1032del (NM_020986.4); short protein forms K16fs.
Identifiers: ClinVar variation 949501 (VCV000949501.7), dbSNP rs1838387913, ClinGen allele CA1139661436.
Genomic context (GRCh38, chr10:49,614,228, plus strand): 5'-TGGGCGGGGAGCTGGGGAAGGGATGGGGCTGAGGACAGCGAAGAAGAGGGGGCTTGGGGG[AG>A]GGGGGAAATGGAAGAGAGAGGAGGGAGGAGGTACAAGAGGAAGGAGAGAAGTGCGGCCAG-3'

ClinVar aggregate classification (germline): Uncertain significance (1 of 4 stars; one submission).

Conditions:
Familial infantile myasthenia (CMS6). Also called: MYASTHENIC SYNDROME, PRESYNAPTIC, CONGENITAL, ASSOCIATED WITH EPISODIC APNEA; Congenital myasthenic syndrome type 6; MYASTHENIC SYNDROME, CONGENITAL, 6, PRESYNAPTIC. Identifiers: Orphanet 590, MedGen C0393929, MONDO:0009689, OMIM 254210.

Submission:

Labcorp Genetics (formerly Invitae), Labcorp
Classification: Uncertain significance for Familial infantile myasthenia. Last evaluated: 2022-07-18. Review status: criteria provided, single submitter. Criteria: Invitae Variant Classification Sherloc (09022015). Collection method: clinical testing. Allele origin: germline.
Comment: This sequence change creates a premature translational stop signal (p.Lys16Asnfs*184) in the CHAT gene. However, it is currently unclear if variants that occur in this region of the gene cause disease. This variant is not present in population databases (gnomAD no frequency). This variant has not been reported in the literature in individuals affected with CHAT-related conditions. ClinVar contains an entry for this variant (Variation ID: 949501). In summary, the available evidence is currently insufficient to determine the role of this variant in disease. Therefore, it has been classified as a Variant of Uncertain Significance.